The following is an entry in ClinVar:

ClinVar aggregate classification (germline): Benign. Review status: criteria provided, multiple submitters, no conflicts (2 of 4 stars). 2 submissions from 2 submitters: Benign (2). Last evaluated 2018-06-16.

Allele frequency attached by ClinVar (database versions not stated): 1000 Genomes Project 30x 0.30856; 1000 Genomes Project 0.31170; TOPMed 0.33670; gnomAD 0.33996 and 0.34154; gnomAD exomes 0.37091.
gnomAD v4.1: 230,336 of 632,804 alleles (36%); highest among the groups gnomAD compares: Non-Finnish European, 40%; 44,149 homozygotes.

Submissions (2):

GeneDx
Classification: Benign. Last evaluated: 2018-06-16. Review status: criteria provided, single submitter. Criteria: GeneDx Variant Classification (06012015). Collection method: clinical testing. Allele origin: germline. Affected: yes.
Comment: This variant is considered likely benign or benign based on one or more of the following criteria: it is a conservative change, it occurs at a poorly conserved position in the protein, it is predicted to be benign by multiple in silico algorithms, and/or has population frequency not consistent with disease.

Breakthrough Genomics
Classification: Benign. Review status: criteria provided, single submitter. Criteria: ACMG Guidelines, 2015. Collection method: not provided. Allele origin: germline. Inheritance: Autosomal recessive inheritance. Affected: yes.

NM_001184.4(ATR):c.5288+130G>A

Gene: ATR (ATR checkpoint kinase; minus strand). Cytogenetic location: 3q23.
Variant type: single nucleotide variant.
Coding change: c.5288+130G>A on transcript NM_001184.4 (MANE Select); 130 bases into the intron after coding-DNA position 5288, G replaced by A.
Molecular consequence: intron variant.
Genome position (GRCh38, 1-based): chr3:142,503,232, C>T on the plus strand (G>A on the coding strand, the complement: ATR is on the minus strand). VCF-style: chr3-142503232-C-T. GRCh37 (hg19) VCF-style: chr3-142222074-C-T.
Other names: c.5096+130G>A (NM_001354579.2).
Identifiers: ClinVar variation 678204 (VCV000678204.2), dbSNP rs11916455, ClinGen allele CA15236898.
Genomic context (GRCh38, chr3:142,503,232, plus strand): 5'-ACAGAAGCTGTTAAGTGGTAGACTGACTATGAAAAACTTGAGGAAAAAAAAATGTTGGTG[C>T]TTATCTCCAATACCATGAAAACACATAAAACATTTATTACTCTACTAAACATTAAATTAC-3'